The following is an entry in ClinVar:

NM_080605.4(B3GALT6):c.503C>T (p.Ala168Val)

Gene: B3GALT6 (beta-1,3-galactosyltransferase 6; plus strand). Cytogenetic location: 1p36.33.
Variant type: single nucleotide variant.
Coding change: c.503C>T on transcript NM_080605.4 (MANE Select); coding-DNA position 503, C replaced by T.
Protein change: p.Ala168Val; replaces alanine 168 with valine.
Molecular consequence: missense variant.
Genome position (GRCh38, 1-based): chr1:1,232,781, C>T. VCF-style: chr1-1232781-C-T. GRCh37 (hg19) VCF-style: chr1-1168161-C-T.
Other names: c.503C>T (NM_080605.3); short protein forms A168V.
Identifiers: ClinVar variation 1442118 (VCV001442118.7), dbSNP rs766519442, ClinGen allele CA513362.

ClinVar aggregate classification (germline): Uncertain significance. Review status: criteria provided, multiple submitters, no conflicts (2 of 4 stars). 2 submissions from 2 submitters: Uncertain significance (2). Last evaluated 2024-07-22.

Conditions:
Ehlers-Danlos syndrome, spondylodysplastic type, 2 (EDSSPD2). Also called: Ehlers-Danlos syndrome, progeroid type, 2. Identifiers: Orphanet 536467, Orphanet 75496, MedGen C3809210, MONDO:0014139, OMIM 615349.
Spondyloepimetaphyseal dysplasia with joint laxity (SEMDJL). Identifiers: MedGen C0432243, MONDO:0019675.

Allele frequency attached by ClinVar (database versions not stated): ExAC 0.00008; gnomAD exomes 0.00010.

Submissions (2):

GeneDx
Classification: Uncertain significance. Last evaluated: 2024-07-22. Review status: criteria provided, single submitter. Criteria: GeneDx Variant Classification Process June 2021. Collection method: clinical testing. Allele origin: germline. Affected: yes.
Comment: In silico analysis indicates that this missense variant does not alter protein structure/function; Has not been previously published as pathogenic or benign to our knowledge

Labcorp Genetics (formerly Invitae), Labcorp
Classification: Uncertain significance for Ehlers-Danlos syndrome, spondylodysplastic type, 2; Spondyloepimetaphyseal dysplasia with joint laxity. Last evaluated: 2021-06-19. Review status: criteria provided, single submitter. Criteria: Invitae Variant Classification Sherloc (09022015). Collection method: clinical testing. Allele origin: germline.
Comment: This sequence change replaces alanine with valine at codon 168 of the B3GALT6 protein (p.Ala168Val). The alanine residue is weakly conserved and there is a small physicochemical difference between alanine and valine. This variant is present in population databases (rs766519442, ExAC 0.07%). This variant has not been reported in the literature in individuals with B3GALT6-related conditions. Algorithms developed to predict the effect of missense changes on protein structure and function output the following: SIFT: "Tolerated"; PolyPhen-2: "Benign"; Align-GVGD: "Class C0". The valine amino acid residue is found in multiple mammalian species, suggesting that this missense change does not adversely affect protein function. These predictions have not been confirmed by published functional studies and their clinical significance is uncertain. In summary, the available evidence is currently insufficient to determine the role of this variant in disease. Therefore, it has been classified as a Variant of Uncertain Significance.